The following is an entry in ClinVar:

NM_017617.5(NOTCH1):c.6470A>C (p.Lys2157Thr)

Gene: NOTCH1 (notch receptor 1; minus strand). Cytogenetic location: 9q34.3.
Variant type: single nucleotide variant.
Coding change: c.6470A>C on transcript NM_017617.5 (MANE Select); coding-DNA position 6470, A replaced by C.
Protein change: p.Lys2157Thr; replaces lysine 2157 with threonine.
Molecular consequence: missense variant.
Genome position (GRCh38, 1-based): chr9:136,497,269, T>G on the plus strand (A>C on the coding strand, the complement: NOTCH1 is on the minus strand). VCF-style: chr9-136497269-T-G. GRCh37 (hg19) VCF-style: chr9-139391721-T-G.
Other names: c.6470A>C, p.Lys2157Thr (LRG_1122t1); short protein forms K2157T.
Identifiers: ClinVar variation 575209 (VCV000575209.5), dbSNP rs1564568574, ClinGen allele CA375631602.

ClinVar aggregate classification (germline): Uncertain significance (1 of 4 stars; one submission).

Conditions:
Adams-Oliver syndrome 5 (AOS5). Identifiers: Orphanet 974, MedGen C4014970, MONDO:0014459, OMIM 616028.

Allele frequency attached by ClinVar (database versions not stated): gnomAD exomes below 0.00001; TOPMed below 0.00001.
gnomAD v4.1: 2 of 1,611,018 alleles (0.00012%); highest among the groups gnomAD compares: Non-Finnish European, 0.00017%; no homozygotes.

Submission:

Labcorp Genetics (formerly Invitae), Labcorp
Classification: Uncertain significance for Adams-Oliver syndrome 5. Last evaluated: 2025-11-21. Review status: criteria provided, single submitter. Criteria: Invitae Variant Classification Sherloc (09022015). Collection method: clinical testing. Allele origin: germline.
Comment: This sequence change replaces lysine, which is basic and polar, with threonine, which is neutral and polar, at codon 2157 of the NOTCH1 protein (p.Lys2157Thr). This variant is not present in population databases (gnomAD no frequency). This variant has not been reported in the literature in individuals affected with NOTCH1-related conditions. ClinVar contains an entry for this variant (Variation ID: 575209). An algorithm developed to predict the effect of missense changes on protein structure and function (PolyPhen-2) suggests that this variant is likely to be disruptive. In summary, the available evidence is currently insufficient to determine the role of this variant in disease. Therefore, it has been classified as a Variant of Uncertain Significance.